The following is an entry in ClinVar:

ClinVar aggregate classification (germline): Uncertain significance (1 of 4 stars; one submission).

Submission:

Ambry Genetics
Classification: Uncertain significance. Last evaluated: 2022-05-23. Review status: criteria provided, single submitter. Criteria: Ambry Variant Classification Scheme 2023. Collection method: clinical testing. Allele origin: germline.
Comment: The p.C104R variant (also known as c.310T>C), located in coding exon 1 of the EGLN2 gene, results from a T to C substitution at nucleotide position 310. The cysteine at codon 104 is replaced by arginine, an amino acid with highly dissimilar properties. This amino acid position is conserved. In addition, this alteration is predicted to be tolerated by in silico analysis. Since supporting evidence is limited at this time, the clinical significance of this alteration remains unclear.

NM_080732.4(EGLN2):c.310T>C (p.Cys104Arg)

Genes: EGLN2 (egl-9 family hypoxia inducible factor 2; plus strand), RAB4B-EGLN2 (RAB4B-EGLN2 readthrough (NMD candidate); plus strand). Cytogenetic location: 19q13.2.
Variant type: single nucleotide variant.
Coding change: c.310T>C on transcript NM_080732.4 (MANE Select); coding-DNA position 310, T replaced by C.
Protein change: p.Cys104Arg; replaces cysteine 104 with arginine.
Molecular consequence: missense variant. On other transcripts: non-coding transcript variant (1).
Genome position (GRCh38, 1-based): chr19:40,800,882, T>C. VCF-style: chr19-40800882-T-C. GRCh37 (hg19) VCF-style: chr19-41306787-T-C.
Other names: c.310T>C, p.Cys104Arg (NM_053046.4); short protein forms C104R.
Identifiers: ClinVar variation 1727740 (VCV001727740.2), dbSNP rs2515993521, ClinGen allele CA405954988.